The following is an entry in ClinVar:

ClinVar aggregate classification (germline): Conflicting classifications of pathogenicity. Review status: criteria provided, conflicting classifications (1 of 4 stars). 13 submissions from 10 submitters: Uncertain significance (12); Likely benign (1). Last evaluated 2026-01-26.

Conditions:
Dilated cardiomyopathy 1GG (CMD1GG). Identifiers: Orphanet 154, MedGen C3150898, MONDO:0013339, OMIM 613642.
Pheochromocytoma/paraganglioma syndrome 5. Also called: Paragangliomas 5; SDHA-Related Hereditary Paraganglioma-Pheochromocytoma Syndrome. Identifiers: Orphanet 29072, MedGen C3279992, MONDO:0013602, OMIM 614165.
Mitochondrial complex II deficiency, nuclear type 1. Also called: SUCCINATE CoQ REDUCTASE DEFICIENCY. Identifiers: Orphanet 3208, MedGen C5700310, MONDO:0100294, OMIM 252011.
Neurodegeneration with ataxia and late-onset optic atrophy. Identifiers: MedGen C5543254, MONDO:0031006, OMIM 619259.
SDHA-related disorder. Also called: SDHA-related condition; SDHA-related disorders.
Hereditary cancer-predisposing syndrome. Also called: Neoplastic Syndromes, Hereditary; Tumor predisposition; Hereditary Cancer Syndrome; Hereditary neoplastic syndrome. Identifiers: Orphanet 140162, MedGen C0027672, MeSH D009386, MONDO:0015356.
Leigh syndrome (NULS). Also called: Leigh Disease; Subacute necrotizing encephalopathy; Necrotizing encephalopathy infantile subacute of Leigh; LEIGH SYNDROME, NUCLEAR; Leigh's necrotizing encephalopathy; Leigh's disease. Identifiers: Orphanet 506, MedGen C2931891, MONDO:0009723, OMIM 256000.
Hereditary pheochromocytoma and paraganglioma. Also called: Hereditary Paraganglioma-Pheochromocytoma Syndromes; Hereditary pheochromocytoma-paraganglioma; Hereditary paragangliomas and pheochromocytomas. Identifiers: Orphanet 29072, MedGen C4274332, MONDO:0017366.

Allele frequency attached by ClinVar (database versions not stated): gnomAD 0.00004 and 0.00007; gnomAD exomes 0.00005 and 0.00008; TOPMed 0.00005; ExAC 0.00008; ESP Exome Variant Server 0.00008; 1000 Genomes Project 0.00020; 1000 Genomes Project 30x 0.00031.
gnomAD v4.1: 78 of 1,613,728 alleles (0.0048%); highest among the groups gnomAD compares: Admixed American, 0.017%; no homozygotes.

Submissions (13):

Labcorp Genetics (formerly Invitae), Labcorp
Classification: Uncertain significance for Pheochromocytoma/paraganglioma syndrome 5; Mitochondrial complex II deficiency, nuclear type 1. Last evaluated: 2026-01-26. Review status: criteria provided, single submitter. Criteria: Invitae Variant Classification Sherloc (09022015). Collection method: clinical testing. Allele origin: germline.
Comment: This sequence change replaces proline, which is neutral and non-polar, with leucine, which is neutral and non-polar, at codon 658 of the SDHA protein (p.Pro658Leu). This variant is present in population databases (rs377632619, gnomAD 0.02%). This variant has not been reported in the literature in individuals affected with SDHA-related conditions. ClinVar contains an entry for this variant (Variation ID: 231183). Invitae Evidence Modeling of protein sequence and biophysical properties (such as structural, functional, and spatial information, amino acid conservation, physicochemical variation, residue mobility, and thermodynamic stability) indicates that this missense variant is not expected to disrupt SDHA protein function with a negative predictive value of 95%. In summary, the available evidence is currently insufficient to determine the role of this variant in disease. Therefore, it has been classified as a Variant of Uncertain Significance.

PreventionGenetics, part of Exact Sciences
Classification: Uncertain significance for SDHA-related condition. Last evaluated: 2025-10-15. Review status: criteria provided, single submitter. Criteria: ACMG Guidelines, 2015. Collection method: clinical testing. Allele origin: germline.
Comment: The SDHA c.1973C>T variant is predicted to result in the amino acid substitution p.Pro658Leu. To our knowledge, this variant has not been reported in the literature. This variant is reported in 0.023% of alleles in individuals of Latino descent in gnomAD and has conflicting interpretations of pathogenicity in ClinVar of uncertain significance and likely benign (Variation ID: 231183). At this time, the clinical significance of this variant is uncertain due to the absence of conclusive functional and genetic evidence.

Quest Diagnostics Nichols Institute San Juan Capistrano
Classification: Uncertain significance. Last evaluated: 2025-07-24. Review status: criteria provided, single submitter. Criteria: Quest Diagnostics criteria. Collection method: clinical testing. Allele origin: unknown.
Comment: The SDHA c.1973C>T (p.Pro658Leu) variant has not been reported in individuals with SDHA-related conditions in the published literature. The frequency of this variant in the general population (Genome Aggregation Database) is uninformative in the assessment of its pathogenicity. Analysis of this variant using bioinformatics tools for the prediction of the effect of amino acid changes on protein structure and function yielded predictions that this variant is damaging. Based on the available information, we are unable to determine the clinical significance of this variant.

ARUP Laboratories, Molecular Genetics and Genomics, ARUP Laboratories
Classification: Uncertain significance. Last evaluated: 2025-01-09. Review status: criteria provided, single submitter. Criteria: ARUP Molecular Germline Variant Investigation Process 2024. Collection method: clinical testing. Allele origin: germline.
Comment: The SDHA c.1973C>T; p.Pro658Leu variant (rs377632619), to our knowledge, is not reported in the medical literature but is reported in ClinVar (Variation ID: 231183). This variant is found in the general population with an overall allele frequency of 0.008% (23/282590 alleles) in the Genome Aggregation Database (v2.1.1). Computational analyses predict that this variant is deleterious (REVEL: 0.772). Due to limited information, the clinical significance of this variant is uncertain at this time.

Ambry Genetics
Classification: Uncertain significance for Hereditary cancer-predisposing syndrome. Last evaluated: 2024-06-13. Review status: criteria provided, single submitter. Criteria: Ambry Variant Classification Scheme 2023. Collection method: clinical testing. Allele origin: germline.
Comment: The p.P658L variant (also known as c.1973C>T), located in coding exon 15 of the SDHA gene, results from a C to T substitution at nucleotide position 1973. The proline at codon 658 is replaced by leucine, an amino acid with similar properties. This amino acid position is highly conserved in available vertebrate species. In addition, this alteration is predicted to be deleterious by in silico analysis. Based on the available evidence, the clinical significance of this variant remains unclear.

Fulgent Genetics
Classification: Uncertain significance for Mitochondrial complex II deficiency, nuclear type 1; Dilated cardiomyopathy 1GG; Pheochromocytoma/paraganglioma syndrome 5; Neurodegeneration with ataxia and late-onset optic atrophy. Last evaluated: 2024-06-13. Review status: criteria provided, single submitter. Criteria: ACMG Guidelines, 2015. Collection method: clinical testing. Allele origin: germline.

Baylor Genetics
Classification: Uncertain significance for Dilated cardiomyopathy 1GG. Last evaluated: 2024-03-17. Review status: criteria provided, single submitter. Criteria: ACMG Guidelines, 2015. Collection method: clinical testing. Allele origin: unknown.

GeneDx
Classification: Uncertain significance. Last evaluated: 2023-11-29. Review status: criteria provided, single submitter. Criteria: GeneDx Variant Classification Process June 2021. Collection method: clinical testing. Allele origin: germline. Affected: yes.
Comment: In silico analysis supports that this missense variant has a deleterious effect on protein structure/function; Observed in at least one individual with an unspecified advanced cancer undergoing multi-gene panel testing (PMID: 28873162); This variant is associated with the following publications: (PMID: 28873162)

Genetic Services Laboratory, University of Chicago
Classification: Uncertain significance. Last evaluated: 2020-04-27. Review status: criteria provided, single submitter. Criteria: ACMG Guidelines, 2015. Collection method: clinical testing. Allele origin: germline. Affected: no.

Fulgent Genetics
Classification: Uncertain significance for Mitochondrial complex II deficiency, nuclear type 1; Leigh syndrome; Dilated cardiomyopathy 1GG; Pheochromocytoma/paraganglioma syndrome 5. Last evaluated: 2018-10-31. Review status: criteria provided, single submitter. Criteria: ACMG Guidelines, 2015. Collection method: clinical testing. Allele origin: unknown.

Illumina Laboratory Services, Illumina
Classification: Likely benign for Hereditary Paraganglioma-Pheochromocytoma Syndromes. Last evaluated: 2018-01-12. Review status: criteria provided, single submitter. Criteria: ICSL Variant Classification Criteria 13 December 2019. Collection method: clinical testing. Allele origin: germline.
Comment: This variant was observed in the ICSL laboratory as part of a predisposition screen in an ostensibly healthy population. It had not been previously curated by ICSL or reported in the Human Gene Mutation Database (HGMD: prior to June 1st, 2018), and was therefore a candidate for classification through an automated scoring system. Utilizing variant allele frequency, disease prevalence and penetrance estimates, and inheritance mode, an automated score was calculated to assess if this variant is too frequent to cause the disease. Based on the score and internal cut-off values, a variant classified as likely benign is not then subjected to further curation. The score for this variant resulted in a classification of likely benign for this disease.

Illumina Laboratory Services, Illumina
Classification: Uncertain significance for Leigh syndrome. Last evaluated: 2018-01-12. Review status: criteria provided, single submitter. Criteria: ICSL Variant Classification Criteria 13 December 2019. Collection method: clinical testing. Allele origin: germline.

Illumina Laboratory Services, Illumina
Classification: Uncertain significance for Mitochondrial complex II deficiency, nuclear type 1. Last evaluated: 2018-01-12. Review status: criteria provided, single submitter. Criteria: ICSL Variant Classification Criteria 13 December 2019. Collection method: clinical testing. Allele origin: germline.

NM_004168.4(SDHA):c.1973C>T (p.Pro658Leu)

Gene: SDHA (succinate dehydrogenase complex flavoprotein subunit A; plus strand). Cytogenetic location: 5p15.33.
Variant type: single nucleotide variant.
Coding change: c.1973C>T on transcript NM_004168.4 (MANE Select); coding-DNA position 1973, C replaced by T.
Protein change: p.Pro658Leu; replaces proline 658 with leucine.
Molecular consequence: missense variant.
Genome position (GRCh38, 1-based): chr5:256,398, C>T. VCF-style: chr5-256398-C-T. GRCh37 (hg19) VCF-style: chr5-256513-C-T.
Other names: c.1829C>T, p.Pro610Leu (NM_001294332.2); c.1730C>T, p.Pro577Leu (NM_001330758.2); short protein forms P658L, P610L, P577L.
Identifiers: ClinVar variation 231183 (VCV000231183.38), dbSNP rs377632619, ClinGen allele CA3173475.
Genomic context (GRCh38, chr5:256,398, plus strand): 5'-CTCTGGAATATAGACCCGTGATCGACAAAACTTTGAACGAGGCTGACTGTGCCACCGTCC[C>T]GCCAGCCATTCGCTCCTACTGATGAGACAAGATGTGGTGATGACAGAATCAGCTTTTGTA-3'
Protein context (NP_004159.2, residues 648-664): TLNEADCATV[Pro658Leu]PAIRSY